The following is an entry in ClinVar:

NM_014334.4(FRRS1L):c.-77G>A

Gene: FRRS1L (ferric chelate reductase 1 like; minus strand). Cytogenetic location: 9q31.3.
Variant type: single nucleotide variant.
Coding change: c.-77G>A on transcript NM_014334.4 (MANE Select); 77 bases upstream of the start codon, G replaced by A.
Molecular consequence: 5 prime UTR variant.
Genome position (GRCh38, 1-based): chr9:109,167,215, C>T on the plus strand (G>A on the coding strand, the complement: FRRS1L is on the minus strand). VCF-style: chr9-109167215-C-T. GRCh37 (hg19) VCF-style: chr9-111929495-C-T.
Identifiers: ClinVar variation 963867 (VCV000963867.10), dbSNP rs1831568577, ClinGen allele CA374430985.

ClinVar aggregate classification (germline): Uncertain significance (1 of 4 stars; one submission).

Conditions:
Developmental and epileptic encephalopathy, 37 (DEE37). Also called: Epileptic encephalopathy, early infantile, 37. Identifiers: MedGen C4310770, MONDO:0014859, OMIM 616981.

Submission:

Labcorp Genetics (formerly Invitae), Labcorp
Classification: Uncertain significance for Developmental and epileptic encephalopathy, 37. Last evaluated: 2024-02-17. Review status: criteria provided, single submitter. Criteria: Invitae Variant Classification Sherloc (09022015). Collection method: clinical testing. Allele origin: germline.
Comment: This sequence change replaces glycine, which is neutral and non-polar, with glutamic acid, which is acidic and polar, at codon 26 of the FRRS1L protein (p.Gly26Glu). This variant is not present in population databases (gnomAD no frequency). This variant has not been reported in the literature in individuals affected with FRRS1L-related conditions. ClinVar contains an entry for this variant (Variation ID: 963867). Experimental studies and prediction algorithms are not available or were not evaluated, and the functional significance of this variant is currently unknown. In summary, the available evidence is currently insufficient to determine the role of this variant in disease. Therefore, it has been classified as a Variant of Uncertain Significance.